The following is an entry in ClinVar:

ClinVar aggregate classification (germline): Likely benign. Review status: criteria provided, single submitter (1 of 4 stars). 2 submissions from 2 submitters: Likely benign (1). 1 of the submissions does not count toward it. Last evaluated 2024-11-13.

Conditions:
NOTCH3-related disorder. Also called: NOTCH3-related condition; NOTCH3-related disorders.

Submissions (2):

Blueprint Genetics
Classification: Likely benign. Last evaluated: 2024-11-13. Review status: criteria provided, single submitter. Criteria: ACMG Guidelines, 2015. Collection method: clinical testing. Allele origin: germline.

PreventionGenetics, part of Exact Sciences
Classification: Likely benign for NOTCH3-related condition. Last evaluated: 2021-10-08. Review status: no assertion criteria provided. Collection method: clinical testing. Allele origin: germline. Not counted in ClinVar's aggregate classification.
Comment: This variant is classified as likely benign based on ACMG/AMP sequence variant interpretation guidelines (Richards et al. 2015 PMID: 25741868, with internal and published modifications).

NM_000435.3(NOTCH3):c.87GCT[3] (p.Leu33del)

Gene: NOTCH3 (notch receptor 3; minus strand). Cytogenetic location: 19p13.12.
Variant type: Microsatellite.
Coding change: c.87GCT[3] on transcript NM_000435.3 (MANE Select); three copies in a row of the 3-base unit GCT starting at c.87; the reference has four copies in a row; one copy, 3 bases deleted.
Protein change: p.Leu33del; deletes leucine 33.
Genome position (GRCh38, 1-based): chr19:15,200,808-15,200,810, AGC deleted on the plus strand (GCT on the coding strand, the reverse complement: NOTCH3 is on the minus strand); deleting any 3 consecutive bases within chr19:15,200,808-15,200,821 gives the same sequence; the position shown is the placement nearest the transcript's 3' end. VCF-style (leftmost placement, unchanged base first): chr19-15200807-TAGC-T. GRCh37 (hg19) VCF-style: chr19-15311618-TAGC-T.
Other names: short protein forms L33del.
Identifiers: ClinVar variation 3041414 (VCV003041414.3), dbSNP rs746497955, ClinGen allele CA9264025.